The following is an entry in ClinVar:

ClinVar aggregate classification (germline): Conflicting classifications of pathogenicity. Review status: criteria provided, conflicting classifications (1 of 4 stars). 2 submissions from 1 submitter: Uncertain significance (1); Benign (1). Last evaluated 2018-01-13.

Conditions:
Deficiency of steroid 11-beta-monooxygenase (CYP11B1). Also called: ADRENAL HYPERPLASIA, CONGENITAL, DUE TO STEROID 11-BETA-HYDROXYLASE DEFICIENCY; 11-BETA-HYDROXYLASE DEFICIENCY; ADRENAL HYPERPLASIA IV; P450C11B1 DEFICIENCY; STEROID 11-BETA-HYDROXYLASE DEFICIENCY; Congenital adrenal hyperplasia due to 11-beta-hydroxylase deficiency. Identifiers: Orphanet 90795, MedGen C0268292, MONDO:0008729, OMIM 202010. Disease mechanism: loss of function.
Glucocorticoid-remediable aldosteronism. Also called: Hyperaldosteronism, familial, type I; ACTH-DEPENDENT HYPERALDOSTERONISM SYNDROME; ALDOSTERONISM, SENSITIVE TO DEXAMETHASONE; FH I; GLUCOCORTICOID-SUPPRESSIBLE HYPERALDOSTERONISM. Identifiers: Orphanet 403, MedGen C3838731, MONDO:0007080, OMIM 103900.

Allele frequency attached by ClinVar (database versions not stated): 1000 Genomes Project 0.00060; TOPMed 0.00070; 1000 Genomes Project 30x 0.00094.

Submissions (2):

Illumina Laboratory Services, Illumina
Classification: Benign for Glucocorticoid-remediable aldosteronism. Last evaluated: 2018-01-13. Review status: criteria provided, single submitter. Criteria: ICSL Variant Classification Criteria 13 December 2019. Collection method: clinical testing. Allele origin: germline.
Comment: This variant was observed in the ICSL laboratory as part of a predisposition screen in an ostensibly healthy population. It had not been previously curated by ICSL or reported in the Human Gene Mutation Database (HGMD: prior to June 1st, 2018), and was therefore a candidate for classification through an automated scoring system. Utilizing variant allele frequency, disease prevalence and penetrance estimates, and inheritance mode, an automated score was calculated to assess if this variant is too frequent to cause the disease. Based on the score and internal cut-off values, a variant classified as benign is not then subjected to further curation. The score for this variant resulted in a classification of benign for this disease.

Illumina Laboratory Services, Illumina
Classification: Uncertain significance for Deficiency of steroid 11-beta-monooxygenase. Last evaluated: 2018-01-13. Review status: criteria provided, single submitter. Criteria: ICSL Variant Classification Criteria 13 December 2019. Collection method: clinical testing. Allele origin: germline.

NM_000497.4(CYP11B1):c.*848C>T

Gene: CYP11B1 (cytochrome P450 family 11 subfamily B member 1; minus strand). Cytogenetic location: 8q24.3.
Variant type: single nucleotide variant.
Coding change: c.*848C>T on transcript NM_000497.4 (MANE Select); 848 bases downstream of the stop codon, C replaced by T.
Molecular consequence: 3 prime UTR variant.
Genome position (GRCh38, 1-based): chr8:142,873,525, G>A on the plus strand (C>T on the coding strand, the complement: CYP11B1 is on the minus strand). VCF-style: chr8-142873525-G-A. GRCh37 (hg19) VCF-style: chr8-143954941-G-A.
Other names: c.*848C>T (NM_001026213.1).
Identifiers: ClinVar variation 362126 (VCV000362126.5), dbSNP rs149520110, ClinGen allele CA10630438.